The following is an entry in ClinVar:

ClinVar aggregate classification (germline): Uncertain significance (1 of 4 stars; one submission).

gnomAD v4.1: 3 of 1,535,134 alleles (0.0002%); highest among the groups gnomAD compares: South Asian, 0.0012%; no homozygotes.

Submission:

Labcorp Genetics (formerly Invitae), Labcorp
Classification: Uncertain significance. Last evaluated: 2024-08-28. Review status: criteria provided, single submitter. Criteria: Invitae Variant Classification Sherloc (09022015). Collection method: clinical testing. Allele origin: germline.
Comment: This sequence change replaces proline, which is neutral and non-polar, with leucine, which is neutral and non-polar, at codon 84 of the NEFH protein (p.Pro84Leu). This variant is not present in population databases (gnomAD no frequency). This variant has not been reported in the literature in individuals affected with NEFH-related conditions. ClinVar contains an entry for this variant (Variation ID: 1947596). Invitae Evidence Modeling of protein sequence and biophysical properties (such as structural, functional, and spatial information, amino acid conservation, physicochemical variation, residue mobility, and thermodynamic stability) indicates that this missense variant is not expected to disrupt NEFH protein function with a negative predictive value of 95%. In summary, the available evidence is currently insufficient to determine the role of this variant in disease. Therefore, it has been classified as a Variant of Uncertain Significance.

NM_021076.4(NEFH):c.251C>T (p.Pro84Leu)

Gene: NEFH (neurofilament heavy chain; plus strand). Cytogenetic location: 22q12.2.
Variant type: single nucleotide variant.
Coding change: c.251C>T on transcript NM_021076.4 (MANE Select); coding-DNA position 251, C replaced by T.
Protein change: p.Pro84Leu; replaces proline 84 with leucine.
Molecular consequence: missense variant.
Genome position (GRCh38, 1-based): chr22:29,480,513, C>T. VCF-style: chr22-29480513-C-T. GRCh37 (hg19) VCF-style: chr22-29876502-C-T.
Other names: short protein forms P84L.
Identifiers: ClinVar variation 1947596 (VCV001947596.5), dbSNP rs1280817618, ClinGen allele CA411122203.